The following is an entry in ClinVar:

NM_007294.4(BRCA1):c.3449del (p.Pro1150fs)

Genes: BRCA1 (BRCA1 DNA repair associated; minus strand), LOC126862571 (BRD4-independent group 4 enhancer GRCh37_chr17:41243136-41244335; plus strand). Cytogenetic location: 17q21.31.
Variant type: Deletion.
Coding change: c.3449del on transcript NM_007294.4 (MANE Select); coding-DNA position 3449, one base deleted (C; older notation c.3449delC).
Protein change: p.Pro1150fs; shifts the reading frame from proline 1150.
Molecular consequence: frameshift variant. On other transcripts: intron variant (135).
Genome position (GRCh38, 1-based): chr17:43,092,082, G deleted on the plus strand (C on the coding strand, the reverse complement: BRCA1 is on the minus strand); the first of 2 consecutive G bases (chr17:43,092,082-43,092,083); deleting either gives the same sequence. VCF-style (leftmost placement, unchanged base first): chr17-43092081-AG-A. GRCh37 (hg19) VCF-style: chr17-41244098-AG-A.
Other names: c.3326del, p.Pro1109fs (NM_001407683.1, NM_001407669.1, NM_001407674.1 and 19 more transcripts); c.3449del, p.Pro1150fs (NM_001407684.1, NM_001407854.1, NM_001407858.1 and 30 more transcripts); c.3323del, p.Pro1108fs (NM_001407685.1, NM_001407686.1, NM_001407687.1 and 11 more transcripts); c.3308del, p.Pro1103fs (NM_001407692.1, NM_001407694.1, NM_001407695.1 and 29 more transcripts); c.3305del, p.Pro1102fs (NM_001407740.1, NM_001407741.1, NM_001407742.1 and 20 more transcripts); c.3236del, p.Pro1079fs (NM_001407853.1, NM_001407894.1, NM_001407895.1 and 9 more transcripts); c.3446del, p.Pro1149fs (NM_001407860.1, NM_001407861.1, NM_001407587.1 and 22 more transcripts); c.3248del, p.Pro1083fs (NM_001407862.1); and 42 more; short protein forms P1022fs, P1062fs, P1080fs, P1123fs, P1147fs, P1149fs, P1023fs, P1038fs.
Identifiers: ClinVar variation 3825280 (VCV003825280.2).

ClinVar aggregate classification (germline): Pathogenic. Review status: criteria provided, multiple submitters, no conflicts (2 of 4 stars). 2 submissions from 2 submitters: Pathogenic (2). Last evaluated 2025-08-10.

Conditions:
Hereditary cancer-predisposing syndrome. Also called: Hereditary neoplastic syndrome; Neoplastic Syndromes, Hereditary; Tumor predisposition; Hereditary Cancer Syndrome. Identifiers: Orphanet 140162, MedGen C0027672, MeSH D009386, MONDO:0015356.
Hereditary breast ovarian cancer syndrome. Also called: Hereditary breast and ovarian cancer syndrome; BRCA1- and BRCA2-Associated Hereditary Breast and Ovarian Cancer; Hereditary breast and ovarian cancer; Hereditary breast and ovarian cancer syndrome (HBOC); Breast and ovarian cancer; Hereditary breast and/or ovarian cancer syndrome. Identifiers: Orphanet 145, MedGen C0677776, MeSH D061325, MONDO:0003582. Disease mechanism: loss of function.

Submissions (2):

Labcorp Genetics (formerly Invitae), Labcorp
Classification: Pathogenic for Hereditary breast ovarian cancer syndrome. Last evaluated: 2025-08-10. Review status: criteria provided, single submitter. Criteria: Invitae Variant Classification Sherloc (09022015). Collection method: clinical testing. Allele origin: germline.
Comment: This sequence change creates a premature translational stop signal (p.Pro1150Leufs*5) in the BRCA1 gene. It is expected to result in an absent or disrupted protein product. Loss-of-function variants in BRCA1 are known to be pathogenic (PMID: 20104584). This variant is not present in population databases (gnomAD no frequency). This variant has not been reported in the literature in individuals affected with BRCA1-related conditions. ClinVar contains an entry for this variant (Variation ID: 3825280). For these reasons, this variant has been classified as Pathogenic.

Ambry Genetics
Classification: Pathogenic for Hereditary cancer-predisposing syndrome. Last evaluated: 2024-12-16. Review status: criteria provided, single submitter. Criteria: Ambry Variant Classification Scheme 2023. Collection method: clinical testing. Allele origin: germline.
Comment: The c.3449delC pathogenic mutation, located in coding exon 9 of the BRCA1 gene, results from a deletion of one nucleotide at nucleotide position 3449, causing a translational frameshift with a predicted alternate stop codon (p.P1150Lfs*5). This variant is considered to be rare based on population cohorts in the Genome Aggregation Database (gnomAD). This alteration is expected to result in loss of function by premature protein truncation or nonsense-mediated mRNA decay. As such, this alteration is interpreted as a disease-causing mutation.

Literature cited by the submitters: PubMed 20104584 (cited by Labcorp Genetics (formerly Invitae), Labcorp).